The following is an entry in ClinVar:

NM_001267550.2(TTN):c.95540G>C (p.Arg31847Pro)

Genes: TTN (titin; minus strand), TTN-AS1 (TTN antisense RNA 1; plus strand). Cytogenetic location: 2q31.2.
Variant type: single nucleotide variant.
Coding change: c.95540G>C on transcript NM_001267550.2 (MANE Select); coding-DNA position 95540, G replaced by C.
Protein change: p.Arg31847Pro; replaces arginine 31847 with proline.
Molecular consequence: missense variant.
Genome position (GRCh38, 1-based): chr2:178,545,570, C>G on the plus strand (G>C on the coding strand, the complement: TTN is on the minus strand). VCF-style: chr2-178545570-C-G. GRCh37 (hg19) VCF-style: chr2-179410297-C-G.
Other names: c.90617G>C, p.Arg30206Pro (NM_001256850.1); c.68345G>C, p.Arg22782Pro (NM_003319.4); c.87836G>C, p.Arg29279Pro (NM_133378.4); c.68720G>C, p.Arg22907Pro (NM_133432.3); c.68921G>C, p.Arg22974Pro (NM_133437.4); short protein forms R22782P, R22907P, R22974P, R29279P, R30206P, R31847P.
Identifiers: ClinVar variation 1284485 (VCV001284485.8), dbSNP rs771179752, ClinGen allele CA349460506.

ClinVar aggregate classification (germline): Uncertain significance. Review status: criteria provided, single submitter (1 of 4 stars). 4 submissions from 4 submitters: Uncertain significance (1). 3 of the submissions do not count toward it. Last evaluated 2023-02-21.

Conditions:
Dilated cardiomyopathy 1G (CMD1G). Identifiers: Orphanet 154, MedGen C1858763, MONDO:0011400, OMIM 604145.
Autosomal recessive limb-girdle muscular dystrophy type 2J (LGMDR10). Also called: MUSCULAR DYSTROPHY, LIMB-GIRDLE, AUTOSOMAL RECESSIVE 10; Limb-girdle muscular dystrophy, type 2J. Identifiers: Orphanet 140922, MedGen C1837342, MONDO:0012127, OMIM 608807.

gnomAD v4.1: 1 of 1,613,748 alleles (0.000062%); highest among the groups gnomAD compares: Non-Finnish European, 0.000085%; no homozygotes.

Submissions (4):

Labcorp Genetics (formerly Invitae), Labcorp
Classification: Uncertain significance for Dilated cardiomyopathy 1G; Autosomal recessive limb-girdle muscular dystrophy type 2J. Last evaluated: 2023-02-21. Review status: criteria provided, single submitter. Criteria: Invitae Variant Classification Sherloc (09022015). Collection method: clinical testing. Allele origin: germline.
Comment: This missense change has been observed in individual(s) with congenital myopathy (PMID: 33449170). This variant is not present in population databases (gnomAD no frequency). This sequence change replaces arginine, which is basic and polar, with proline, which is neutral and non-polar, at codon 31847 of the TTN protein (p.Arg31847Pro). ClinVar contains an entry for this variant (Variation ID: 1284485). This variant is located in the A band of TTN (PMID: 25589632). Variants in this region may be relevant for cardiac or neuromuscular disorders (PMID: 25589632, 23975875). In summary, the available evidence is currently insufficient to determine the role of this variant in disease. Therefore, it has been classified as a Variant of Uncertain Significance. Experimental studies have shown that this missense change affects TTN function (PMID: 33449170). Algorithms developed to predict the effect of variants on protein structure and function are not available or were not evaluated for this variant.

Clinical Genetics DNA and cytogenetics Diagnostics Lab, Erasmus MC, Erasmus Medical Center
Classification: Uncertain significance. Review status: no assertion criteria provided. Collection method: clinical testing. Allele origin: germline. Affected: yes. Study: VKGL Data-share Consensus. Not counted in ClinVar's aggregate classification.

Clinical Genetics, Academic Medical Center
Classification: Uncertain significance. Review status: no assertion criteria provided. Collection method: clinical testing. Allele origin: germline. Affected: yes. Study: VKGL Data-share Consensus. Not counted in ClinVar's aggregate classification.

Joint Genome Diagnostic Labs from Nijmegen and Maastricht, Radboudumc and MUMC+
Classification: Uncertain significance. Review status: no assertion criteria provided. Collection method: clinical testing. Allele origin: germline. Affected: yes. Study: VKGL Data-share Consensus. Not counted in ClinVar's aggregate classification.

Literature cited by the submitters: PubMed 33449170 (cited by Labcorp Genetics (formerly Invitae), Labcorp); PubMed 25589632 (cited by Labcorp Genetics (formerly Invitae), Labcorp); PubMed 23975875 (cited by Labcorp Genetics (formerly Invitae), Labcorp).